The following is an entry in ClinVar:

ClinVar aggregate classification (germline): Uncertain significance (1 of 4 stars; one submission).

Submission:

Labcorp Genetics (formerly Invitae), Labcorp
Classification: Uncertain significance. Last evaluated: 2023-12-11. Review status: criteria provided, single submitter. Criteria: Invitae Variant Classification Sherloc (09022015). Collection method: clinical testing. Allele origin: germline.
Comment: This sequence change replaces proline, which is neutral and non-polar, with alanine, which is neutral and non-polar, at codon 769 of the NBAS protein (p.Pro769Ala). This variant is not present in population databases (gnomAD no frequency). This variant has not been reported in the literature in individuals affected with NBAS-related conditions. Advanced modeling of protein sequence and biophysical properties (such as structural, functional, and spatial information, amino acid conservation, physicochemical variation, residue mobility, and thermodynamic stability) has been performed at Invitae for this missense variant, however the output from this modeling did not meet the statistical confidence thresholds required to predict the impact of this variant on NBAS protein function. In summary, the available evidence is currently insufficient to determine the role of this variant in disease. Therefore, it has been classified as a Variant of Uncertain Significance.

NM_015909.4(NBAS):c.2305C>G (p.Pro769Ala)

Gene: NBAS (NBAS subunit of NRZ tethering complex; minus strand). Cytogenetic location: 2p24.3.
Variant type: single nucleotide variant.
Coding change: c.2305C>G on transcript NM_015909.4 (MANE Select); coding-DNA position 2305, C replaced by G.
Protein change: p.Pro769Ala; replaces proline 769 with alanine.
Molecular consequence: missense variant. On other transcripts: non-coding transcript variant (1).
Genome position (GRCh38, 1-based): chr2:15,461,235, G>C on the plus strand (C>G on the coding strand, the complement: NBAS is on the minus strand). VCF-style: chr2-15461235-G-C. GRCh37 (hg19) VCF-style: chr2-15601359-G-C.
Other names: short protein forms P769A.
Identifiers: ClinVar variation 2821987 (VCV002821987.3), dbSNP rs2528075503, ClinGen allele CA345880764.